The following is an entry in ClinVar:

NM_004304.5(ALK):c.2606G>A (p.Gly869Glu)

Gene: ALK (ALK receptor tyrosine kinase; minus strand). Cytogenetic location: 2p23.2.
Variant type: single nucleotide variant.
Coding change: c.2606G>A on transcript NM_004304.5 (MANE Select); coding-DNA position 2606, G replaced by A.
Protein change: p.Gly869Glu; replaces glycine 869 with glutamic acid.
Molecular consequence: missense variant.
Genome position (GRCh38, 1-based): chr2:29,232,330, C>T on the plus strand (G>A on the coding strand, the complement: ALK is on the minus strand). VCF-style: chr2-29232330-C-T. GRCh37 (hg19) VCF-style: chr2-29455196-C-T.
Other names: short protein forms G869E.
Identifiers: ClinVar variation 2790770 (VCV002790770.4), dbSNP rs2148183280, ClinGen allele CA346471594.

ClinVar aggregate classification (germline): Uncertain significance. Review status: criteria provided, multiple submitters, no conflicts (2 of 4 stars). 2 submissions from 2 submitters: Uncertain significance (2). Last evaluated 2024-02-02.

Conditions:
Neuroblastoma, susceptibility to, 3. Also called: ALK-Related Neuroblastic Tumor Susceptibility. Identifiers: Orphanet 635, MedGen C2751681, MONDO:0013083, OMIM 613014.

Submissions (2):

Baylor Genetics
Classification: Uncertain significance for Neuroblastoma, susceptibility to, 3. Last evaluated: 2024-02-02. Review status: criteria provided, single submitter. Criteria: ACMG Guidelines, 2015. Collection method: clinical testing. Allele origin: unknown.

Labcorp Genetics (formerly Invitae), Labcorp
Classification: Uncertain significance for Neuroblastoma, susceptibility to, 3. Last evaluated: 2023-09-26. Review status: criteria provided, single submitter. Criteria: Invitae Variant Classification Sherloc (09022015). Collection method: clinical testing. Allele origin: germline.
Comment: In summary, the available evidence is currently insufficient to determine the role of this variant in disease. Therefore, it has been classified as a Variant of Uncertain Significance. An algorithm developed to predict the effect of missense changes on protein structure and function (PolyPhen-2) suggests that this variant is likely to be disruptive. This variant has not been reported in the literature in individuals affected with ALK-related conditions. This variant is not present in population databases (gnomAD no frequency). This sequence change replaces glycine, which is neutral and non-polar, with glutamic acid, which is acidic and polar, at codon 869 of the ALK protein (p.Gly869Glu).